The following is an entry in ClinVar:

ClinVar aggregate classification (germline): Uncertain significance (1 of 4 stars; one submission).

Submission:

GeneDx
Classification: Uncertain significance. Last evaluated: 2022-03-15. Review status: criteria provided, single submitter. Criteria: GeneDx Variant Classification Process June 2021. Collection method: clinical testing. Allele origin: germline. Affected: yes.
Comment: Not observed at significant frequency in large population cohorts (gnomAD); In-frame deletion of 1 amino acid in a non-repeat region; In silico analysis supports that this variant does not alter protein structure/function; Has not been previously published as pathogenic or benign to our knowledge

NM_001197104.2(KMT2A):c.7526_7528del (p.Glu2509del)

Gene: KMT2A (lysine methyltransferase 2A; plus strand). Cytogenetic location: 11q23.3.
Variant type: Deletion.
Coding change: c.7526_7528del on transcript NM_001197104.2 (MANE Select); coding-DNA positions 7526 to 7528, 3 bases deleted (AAG; older notation c.7526_7528delAAG).
Protein change: p.Glu2509del; deletes glutamic acid 2509.
Molecular consequence: inframe deletion. On other transcripts: inframe indel (1).
Genome position (GRCh38, 1-based): chr11:118,503,418-118,503,420, AAG deleted; deleting any 3 consecutive bases within chr11:118,503,416-118,503,420 gives the same sequence; the c. name uses the placement nearest the transcript's 3' end. VCF-style (leftmost placement, unchanged base first): chr11-118503415-TAGA-T. GRCh37 (hg19) VCF-style: chr11-118374130-TAGA-T.
Other names: c.7526_7528delAAG, p.Glu2509del (NM_001197104.1); c.7517_7519del, p.Glu2506del (NM_005933.4); short protein forms E2506del, E2509del.
Identifiers: ClinVar variation 1706363 (VCV001706363.2), dbSNP rs2496999651, ClinGen allele CA2580083624.